The following is an entry in ClinVar:

NM_001079872.2(CUL4B):c.630G>A (p.Gln210=)

Gene: CUL4B (cullin 4B; minus strand). Cytogenetic location: Xq24.
Variant type: single nucleotide variant.
Coding change: c.630G>A on transcript NM_001079872.2 (MANE Select); coding-DNA position 630, G replaced by A.
Protein change: p.Gln210=; no amino-acid change (glutamine 210 retained).
Molecular consequence: synonymous variant.
Genome position (GRCh38, 1-based): chrX:120,557,966, C>T on the plus strand (G>A on the coding strand, the complement: CUL4B is on the minus strand). VCF-style: chrX-120557966-C-T. GRCh37 (hg19) VCF-style: chrX-119691821-C-T.
Other names: c.645G>A, p.Gln215= (NM_001330624.2); c.96G>A, p.Gln32= (NM_001369145.1); c.684G>A, p.Gln228= (NM_003588.4).
Identifiers: ClinVar variation 3348508 (VCV003348508.1).
Genomic context (GRCh38, chrX:120,557,966, plus strand): 5'-ATGCATATTAATACATACCTGGTAGAGTTCTTCTAAATTGTACTTAATTGAAGTACTATT[C>T]TGAATAGCTTCCACTGCTTCTTTCAGTTTTTGCCAGGTTTCATCTGTGTAGTTTTCTGGT-3'
Protein context (NP_001073341.1, residues 200-220): QKLKEAVEAI[Gln210=]NSTSIKYNLE

ClinVar aggregate classification (germline): Likely benign (0 of 4 stars; one submission).

Conditions:
CUL4B-related disorder. Also called: CUL4B-related condition.

Submission:

PreventionGenetics, part of Exact Sciences
Classification: Likely benign for CUL4B-related condition. Last evaluated: 2024-01-15. Review status: no assertion criteria provided. Collection method: clinical testing. Allele origin: germline.
Comment: This variant is classified as likely benign based on ACMG/AMP sequence variant interpretation guidelines (Richards et al. 2015 PMID: 25741868, with internal and published modifications).